The following is an entry in ClinVar:

NM_001374385.1(ATP8B1):c.1235G>C (p.Arg412Pro)

Gene: ATP8B1 (ATPase phospholipid transporting 8B1; minus strand). Cytogenetic location: 18q21.31.
Variant type: single nucleotide variant.
Coding change: c.1235G>C on transcript NM_001374385.1 (MANE Select); coding-DNA position 1235, G replaced by C.
Protein change: p.Arg412Pro; replaces arginine 412 with proline.
Molecular consequence: missense variant.
Genome position (GRCh38, 1-based): chr18:57,688,493, C>G on the plus strand (G>C on the coding strand, the complement: ATP8B1 is on the minus strand). VCF-style: chr18-57688493-C-G. GRCh37 (hg19) VCF-style: chr18-55355725-C-G.
Other names: c.1085G>C, p.Arg362Pro (NM_001374386.1); c.1235G>C, p.Arg412Pro (NM_005603.6); short protein forms R362P, R412P.
Identifiers: ClinVar variation 4846273 (VCV004846273.1).

ClinVar aggregate classification (germline): Uncertain significance (1 of 4 stars; one submission).

Conditions:
Familial intrahepatic cholestasis. Identifiers: Orphanet 284385, MedGen CN296401, MONDO:0017290.

Submission:

Genomenon, Inc
Classification: Uncertain significance for Familial intrahepatic cholestasis. Last evaluated: 2026-04-14. Review status: criteria provided, single submitter. Criteria: Genomenon Sequence Variant Interpretation Standards - Updated. Collection method: curation. Allele origin: germline. Affected: yes.
Comment: ATP8B1 p.Arg412Pro (c.1235G>C) is a missense variant that changes the amino acid at residue 412 from Arginine to Proline. This variant has been observed in at least one proband with features of ATP8B1-deficiency (PMID:12149765). It is absent or not present at a significant frequency in gnomAD. In silico models predict that this variant is possibly or probably damaging. In conclusion, we classify ATP8B1 p.Arg412Pro (c.1235G>C) as a variant of uncertain significance.

Literature cited by the submitters: PubMed 12149765.